The following is an entry in ClinVar:

NM_000135.4(FANCA):c.2926G>T (p.Asp976Tyr)

Gene: FANCA (FA complementation group A; minus strand). Cytogenetic location: 16q24.3.
Variant type: single nucleotide variant.
Coding change: c.2926G>T on transcript NM_000135.4 (MANE Select); coding-DNA position 2926, G replaced by T.
Protein change: p.Asp976Tyr; replaces aspartic acid 976 with tyrosine.
Molecular consequence: missense variant.
Genome position (GRCh38, 1-based): chr16:89,758,632, C>A on the plus strand (G>T on the coding strand, the complement: FANCA is on the minus strand). VCF-style: chr16-89758632-C-A. GRCh37 (hg19) VCF-style: chr16-89825040-C-A.
Other names: c.2926G>T, p.Asp976Tyr (NM_001286167.3); short protein forms D976Y.
Identifiers: ClinVar variation 3848278 (VCV003848278.1).

ClinVar aggregate classification (germline): Uncertain significance (1 of 4 stars; one submission).

Conditions:
Inborn genetic diseases. Identifiers: MedGen C0950123, MeSH D030342.

Submission:

Ambry Genetics
Classification: Uncertain significance for Inborn genetic diseases. Last evaluated: 2025-03-02. Review status: criteria provided, single submitter. Criteria: Ambry Variant Classification Scheme 2023. Collection method: clinical testing. Allele origin: germline.
Comment: The p.D976Y variant (also known as c.2926G>T), located in coding exon 30 of the FANCA gene, results from a G to T substitution at nucleotide position 2926. The aspartic acid at codon 976 is replaced by tyrosine, an amino acid with highly dissimilar properties. This amino acid position is conserved. In addition, the in silico prediction for this alteration is inconclusive. Based on the available evidence, the clinical significance of this variant remains unclear.